The following is an entry in ClinVar:

NM_001126108.2(SLC12A3):c.1394C>A (p.Thr465Asn)

Gene: SLC12A3 (solute carrier family 12 member 3; plus strand). Cytogenetic location: 16q13.
Variant type: single nucleotide variant.
Coding change: c.1394C>A on transcript NM_001126108.2 (MANE Select); coding-DNA position 1394, C replaced by A.
Protein change: p.Thr465Asn; replaces threonine 465 with asparagine.
Molecular consequence: missense variant.
Genome position (GRCh38, 1-based): chr16:56,879,600, C>A. VCF-style: chr16-56879600-C-A. GRCh37 (hg19) VCF-style: chr16-56913512-C-A.
Other names: c.1394C>A, p.Thr465Asn (NM_000339.3); c.1391C>A, p.Thr464Asn (NM_001126107.2, NM_001410896.1); short protein forms T464N, T465N.
Identifiers: ClinVar variation 2585272 (VCV002585272.2), dbSNP rs745526549, ClinGen allele CA8069454.

ClinVar aggregate classification (germline): Uncertain significance. Review status: criteria provided, multiple submitters, no conflicts (2 of 4 stars). 2 submissions from 2 submitters: Uncertain significance (2). Last evaluated 2024-05-30.

Conditions:
Familial hypokalemia-hypomagnesemia (GTLMNS). Also called: HYPOMAGNESEMIA-HYPOKALEMIA, PRIMARY RENOTUBULAR, WITH HYPOCALCIURIA; POTASSIUM AND MAGNESIUM DEPLETION; gitelman syndrome. Identifiers: Orphanet 358, MedGen C0268450, MONDO:0009904, OMIM 263800.

Allele frequency attached by ClinVar (database versions not stated): ExAC 0.00002.
gnomAD v4.1: 6 of 1,613,784 alleles (0.00037%); highest among the groups gnomAD compares: South Asian, 0.0044%; no homozygotes.

Submissions (2):

Fulgent Genetics
Classification: Uncertain significance for Familial hypokalemia-hypomagnesemia. Last evaluated: 2024-05-30. Review status: criteria provided, single submitter. Criteria: ACMG Guidelines, 2015. Collection method: clinical testing. Allele origin: germline.

Neuberg Centre For Genomic Medicine, NCGM
Classification: Uncertain significance for Familial hypokalemia-hypomagnesemia. Review status: criteria provided, single submitter. Criteria: ACMG Guidelines, 2015. Collection method: clinical testing. Allele origin: germline. Inheritance: Autosomal recessive inheritance. Affected: yes.
Comment: The missense variant in c.1394C>A (p.Thr465Asn) in SLC12A3 gene has not been reported previously as a pathogenic variant nor as a benign variant, to our knowledge. The p.Thr465Asn variant is novel (not in any individuals) in 1000 Genomes and has frequency of 0.0012% in gnomAD database. The amino acid Thr at position 465 is changed to a Asn changing protein sequence and it might alter its composition and physico-chemical properties. This variant has not been reported to the ClinVar database. The variant is predicted to be damaging by both SIFT and PolyPhen2. The residue is conserved across species. The amino acid change p.Thr465Asn in SLC12A3 is predicted as conserved by GERP++ and PhyloP across 100 vertebrates. For these reasons, this variant has been classified as Uncertain Significance.